The following is an entry in ClinVar:

ClinVar aggregate classification (germline): Uncertain significance. Review status: criteria provided, multiple submitters, no conflicts (2 of 4 stars). 2 submissions from 2 submitters: Uncertain significance (2). Last evaluated 2023-01-30.

Conditions:
Hereditary cancer-predisposing syndrome. Also called: Hereditary Cancer Syndrome; Hereditary neoplastic syndrome; Neoplastic Syndromes, Hereditary; Tumor predisposition. Identifiers: Orphanet 140162, MedGen C0027672, MeSH D009386, MONDO:0015356.
Familial cancer of breast. Also called: BREAST CANCER, FAMILIAL; hereditary breast carcinoma; Hereditary breast cancer. Identifiers: Orphanet 227535, MedGen C0346153, MONDO:0016419, OMIM 114480. Disease mechanism: loss of function.

Submissions (2):

Labcorp Genetics (formerly Invitae), Labcorp
Classification: Uncertain significance for Familial cancer of breast. Last evaluated: 2023-01-30. Review status: criteria provided, single submitter. Criteria: Invitae Variant Classification Sherloc (09022015). Collection method: clinical testing. Allele origin: germline.
Comment: This sequence change replaces glutamine, which is neutral and polar, with histidine, which is basic and polar, at codon 330 of the CHEK2 protein (p.Gln330His). This variant is not present in population databases (gnomAD no frequency). This variant has not been reported in the literature in individuals affected with CHEK2-related conditions. ClinVar contains an entry for this variant (Variation ID: 1768582). Algorithms developed to predict the effect of missense changes on protein structure and function are either unavailable or do not agree on the potential impact of this missense change (SIFT: "Deleterious"; PolyPhen-2: "Possibly Damaging"; Align-GVGD: "Class C0"). In summary, the available evidence is currently insufficient to determine the role of this variant in disease. Therefore, it has been classified as a Variant of Uncertain Significance.

Ambry Genetics
Classification: Uncertain significance for Hereditary cancer-predisposing syndrome. Last evaluated: 2019-07-26. Review status: criteria provided, single submitter. Criteria: Ambry Variant Classification Scheme 2023. Collection method: clinical testing. Allele origin: germline.
Comment: The p.Q330H variant (also known as c.990G>C), located in coding exon 8 of the CHEK2 gene, results from a G to C substitution at nucleotide position 990. The glutamine at codon 330 is replaced by histidine, an amino acid with highly similar properties. This amino acid position is highly conserved in available vertebrate species. In addition, this alteration is predicted to be deleterious by in silico analysis. Since supporting evidence is limited at this time, the clinical significance of this alteration remains unclear.

NM_007194.4(CHEK2):c.990G>C (p.Gln330His)

Gene: CHEK2 (checkpoint kinase 2; minus strand). Cytogenetic location: 22q12.1.
Variant type: single nucleotide variant.
Coding change: c.990G>C on transcript NM_007194.4 (MANE Select); coding-DNA position 990, G replaced by C.
Protein change: p.Gln330His; replaces glutamine 330 with histidine.
Molecular consequence: missense variant.
Genome position (GRCh38, 1-based): chr22:28,699,856, C>G on the plus strand (G>C on the coding strand, the complement: CHEK2 is on the minus strand). VCF-style: chr22-28699856-C-G. GRCh37 (hg19) VCF-style: chr22-29095844-C-G.
Other names: c.1119G>C, p.Gln373His (NM_001005735.3); c.327G>C, p.Gln109His (NM_001257387.3); c.789G>C, p.Gln263His (NM_001349956.3); c.990G>C, p.Gln330His (NM_145862.3); short protein forms Q263H, Q373H, Q109H, Q330H.
Identifiers: ClinVar variation 1768582 (VCV001768582.5), dbSNP rs9625537, ClinGen allele CA411099470.
Genomic context (GRCh38, chr22:28,699,856, plus strand): 5'-AAAAGAAAGGCAGCTGTCAAAAGAATTGAGGGCTTCTTTTACCTGCACAGCCAAGAGCAT[C>G]TGGTAAAAATAGAGCTTGCAGGTAGCTTCTTTCAGGCGTTTATTCCCCACCACTTTGTCA-3'
Protein context (NP_009125.1, residues 320-340): KEATCKLYFY[Gln330His]MLLAVQYLHE